The following is an entry in ClinVar:

NM_000057.4(BLM):c.1939C>T (p.Leu647Phe)

Gene: BLM (BLM RecQ like helicase; plus strand). Cytogenetic location: 15q26.1.
Variant type: single nucleotide variant.
Coding change: c.1939C>T on transcript NM_000057.4 (MANE Select); coding-DNA position 1939, C replaced by T.
Protein change: p.Leu647Phe; replaces leucine 647 with phenylalanine.
Molecular consequence: missense variant.
Genome position (GRCh38, 1-based): chr15:90,763,022, C>T. VCF-style: chr15-90763022-C-T. GRCh37 (hg19) VCF-style: chr15-91306252-C-T.
Other names: c.1939C>T, p.Leu647Phe (NM_001287246.2, NM_001287247.2); c.814C>T, p.Leu272Phe (NM_001287248.2); short protein forms L272F, L647F.
Identifiers: ClinVar variation 1366037 (VCV001366037.8), dbSNP rs1896027269, ClinGen allele CA393844184.

ClinVar aggregate classification (germline): Uncertain significance (1 of 4 stars; one submission).

Conditions:
Bloom syndrome (BLM). Also called: Bloom-Torre-Machacek syndrome. Identifiers: Orphanet 125, MedGen C0005859, MONDO:0008876, OMIM 210900.

Submission:

Labcorp Genetics (formerly Invitae), Labcorp
Classification: Uncertain significance for Bloom syndrome. Last evaluated: 2020-12-19. Review status: criteria provided, single submitter. Criteria: Invitae Variant Classification Sherloc (09022015). Collection method: clinical testing. Allele origin: germline.
Comment: In summary, the available evidence is currently insufficient to determine the role of this variant in disease. Therefore, it has been classified as a Variant of Uncertain Significance. Algorithms developed to predict the effect of missense changes on protein structure and function (SIFT, PolyPhen-2, Align-GVGD) all suggest that this variant is likely to be tolerated, but these predictions have not been confirmed by published functional studies and their clinical significance is uncertain. This variant has not been reported in the literature in individuals with BLM-related conditions. This variant is not present in population databases (ExAC no frequency). This sequence change replaces leucine with phenylalanine at codon 647 of the BLM protein (p.Leu647Phe). The leucine residue is weakly conserved and there is a small physicochemical difference between leucine and phenylalanine.